The following is an entry in ClinVar:

NM_006164.5(NFE2L2):c.313-8T>C

Gene: NFE2L2 (NFE2 like bZIP transcription factor 2; minus strand). Cytogenetic location: 2q31.2.
Variant type: single nucleotide variant.
Coding change: c.313-8T>C on transcript NM_006164.5 (MANE Select); 8 bases into the intron before coding-DNA position 313, T replaced by C.
Molecular consequence: intron variant.
Genome position (GRCh38, 1-based): chr2:177,233,347, A>G on the plus strand (T>C on the coding strand, the complement: NFE2L2 is on the minus strand). VCF-style: chr2-177233347-A-G. GRCh37 (hg19) VCF-style: chr2-178098075-A-G.
Other names: c.265-8T>C (NM_001313900.1, NM_001313901.1, NM_001145413.3 and 1 more transcripts); c.13-8T>C (NM_001313904.1); c.94-8T>C (NM_001313903.2); c.312+658T>C (NM_001313902.2).
Identifiers: ClinVar variation 3044884 (VCV003044884.3), dbSNP rs772398766, ClinGen allele CA1979905.

ClinVar aggregate classification (germline): Likely benign. Review status: criteria provided, single submitter (1 of 4 stars). 2 submissions from 2 submitters: Likely benign (1). 1 of the submissions does not count toward it.

Conditions:
NFE2L2-related disorder. Also called: NFE2L2-related condition.

Allele frequency attached by ClinVar (database versions not stated): ExAC 0.00001; TOPMed 0.00001; gnomAD exomes 0.00004.
gnomAD v4.1: 57 of 1,606,266 alleles (0.0035%); highest among the groups gnomAD compares: Non-Finnish European, 0.0046%; no homozygotes.

Submissions (2):

Breakthrough Genomics
Classification: Likely benign. Review status: criteria provided, single submitter. Criteria: ACMG Guidelines, 2015. Collection method: not provided. Allele origin: germline. Inheritance: Autosomal dominant inheritance. Affected: yes.

PreventionGenetics, part of Exact Sciences
Classification: Likely benign for NFE2L2-related condition. Last evaluated: 2019-05-31. Review status: no assertion criteria provided. Collection method: clinical testing. Allele origin: germline. Not counted in ClinVar's aggregate classification.
Comment: This variant is classified as likely benign based on ACMG/AMP sequence variant interpretation guidelines (Richards et al. 2015 PMID: 25741868, with internal and published modifications).